The following is an entry in ClinVar:

ClinVar aggregate classification (germline): Benign/Likely benign. Review status: criteria provided, multiple submitters, no conflicts (2 of 4 stars). 5 submissions from 5 submitters: Benign (1); Likely benign (4). Last evaluated 2025-12-14.

Conditions:
Arrhythmogenic right ventricular cardiomyopathy (ARVD). Also called: Cardiomyopathy, ARVC; Arrhythmogenic right ventricular dysplasia; Arrhythmogenic cardiomyopathy; Arrhythmogenic Right Ventricular Cardiomyopathy (ARVC). Identifiers: Orphanet 247, MedGen C0349788, MeSH D019571, MONDO:0016587. Disease mechanism: loss of function. Inheritance: Various modes of inheritance.
Cardiovascular phenotype. Identifiers: MedGen CN230736.
Cardiomyopathy (CMYO). Also called: Cardiomyopathies. Identifiers: Orphanet 167848, MedGen C0878544, MONDO:0004994, HP:0001638. Inheritance: Various modes of inheritance.
Arrhythmogenic right ventricular dysplasia 10. Also called: Arrhythmogenic Right Ventricular Dysplasia/Cardiomyopathy10; ARRHYTHMOGENIC RIGHT VENTRICULAR DYSPLASIA, FAMILIAL, 10; Arrhythmogenic right ventricular dysplasia/cardiomyopathy, type 10. Identifiers: MedGen C1857777, MONDO:0012434, OMIM 610193.

Allele frequency attached by ClinVar (database versions not stated): gnomAD exomes below 0.00001; ExAC 0.00001; gnomAD 0.00001; TOPMed 0.00003.
gnomAD v4.1: 4 of 1,614,060 alleles (0.00025%); highest among the groups gnomAD compares: African/African-American, 0.004%; no homozygotes.

Submissions (5):

Labcorp Genetics (formerly Invitae), Labcorp
Classification: Likely benign for Arrhythmogenic right ventricular dysplasia 10. Last evaluated: 2025-12-14. Review status: criteria provided, single submitter. Criteria: Invitae Variant Classification Sherloc (09022015). Collection method: clinical testing. Allele origin: germline.

All of Us Research Program, National Institutes of Health
Classification: Likely benign for Arrhythmogenic right ventricular cardiomyopathy. Last evaluated: 2023-07-22. Review status: criteria provided, single submitter. Criteria: ACMG Guidelines, 2015. Collection method: clinical testing. Allele origin: germline. Inheritance: Autosomal dominant inheritance. Observed: 2 variant alleles, 2 heterozygotes.
Comment: This study involves interpretation of variants in research participants for the purpose of population health screening. Participant phenotype was not available at the time of variant classification. Additional details can be found in publication PMID: 35346344, PMCID: PMC8962531

Color Diagnostics, LLC DBA Color Health
Classification: Likely benign for Cardiomyopathy. Last evaluated: 2021-06-07. Review status: criteria provided, single submitter. Criteria: ACMG Guidelines, 2015. Collection method: clinical testing. Allele origin: germline.

Ambry Genetics
Classification: Likely benign for Cardiovascular phenotype. Last evaluated: 2019-05-15. Review status: criteria provided, single submitter. Criteria: Ambry Variant Classification Scheme 2023. Collection method: clinical testing. Allele origin: germline.

GeneDx
Classification: Benign. Last evaluated: 2015-06-23. Review status: criteria provided, single submitter. Criteria: GeneDx Variant Classification Process June 2021. Collection method: clinical testing. Allele origin: germline. Affected: yes.

NM_001943.5(DSG2):c.1434A>G (p.Arg478=)

Gene: DSG2 (desmoglein 2; plus strand). Cytogenetic location: 18q12.1.
Variant type: single nucleotide variant.
Coding change: c.1434A>G on transcript NM_001943.5 (MANE Select); coding-DNA position 1434, A replaced by G.
Protein change: p.Arg478=; no amino-acid change (arginine 478 retained).
Molecular consequence: synonymous variant.
Genome position (GRCh38, 1-based): chr18:31,536,212, A>G. VCF-style: chr18-31536212-A-G. GRCh37 (hg19) VCF-style: chr18-29116175-A-G.
Identifiers: ClinVar variation 1147545 (VCV001147545.16), dbSNP rs755732646, ClinGen allele CA042457.
Genomic context (GRCh38, chr18:31,536,212, plus strand): 5'-TGTCAGCAATAGGAACAGAATGTACATACTTTTTCTCTCTTATTTTTAAGATTATCCTAG[A>G]AAAACCATCACTGGCACAGTCCTTATCAATGTTGAAGACATCAACGACAACTGTCCCACA-3'
Protein context (NP_001934.2, residues 468-488): KIVAISEDYP[Arg478=]KTITGTVLIN